The following is an entry in ClinVar:

GRCh38/hg38 20p13(chr20:89939-1360110)x1

Genes: ANGPT4 (angiopoietin 4; minus strand), C20orf202 (chromosome 20 open reading frame 202; plus strand), C20orf96 (chromosome 20 open reading frame 96; minus strand), CSNK2A1 (casein kinase 2 alpha 1; minus strand), DEFB125 (defensin beta 125; plus strand) and 84 more. Cytogenetic location: 20p13.
Variant type: copy number loss.
Change: copy number 1 (one copy instead of two) of chr20:89,939-1,360,110 (1.27 Mb, GRCh38 coordinates, 1-based), cytogenetic band 20p13.
Identifiers: ClinVar variation 57188 (VCV000057188.1).

ClinVar aggregate classification (germline): Pathogenic (1 of 4 stars; one submission).

Submission:

ISCA site 4
Classification: Pathogenic. Last evaluated: 2011-08-12. Review status: criteria provided, single submitter. Criteria: Kaminsky et al. (Genet Med. 2011). Collection method: clinical testing. Allele origin: unknown. Affected: yes. Observed: 1 variant allele.
Comment: Copy number variation identified through the course of routine clinical cytogenomic testing in postnatal populations. Clinical assertions have been curated as described in Kaminsky et al. 2011.